The following is an entry in ClinVar:

ClinVar aggregate classification (germline): Uncertain significance. Review status: criteria provided, single submitter (1 of 4 stars). 3 submissions from 3 submitters: Uncertain significance (1). 2 of the submissions do not count toward it. Last evaluated 2025-04-23.

Conditions:
Distal myopathy with posterior leg and anterior hand involvement. Also called: WILLIAMS DISTAL MYOPATHY. Identifiers: Orphanet 63273, MedGen C3279722, MONDO:0013550, OMIM 614065.
Hypertrophic cardiomyopathy 26. Also called: Cardiomyopathy, familial hypertrophic, 26. Identifiers: Orphanet 75249, MedGen C4310749, MONDO:0014883, OMIM 617047.
Myofibrillar myopathy 5. Also called: Filaminopathy (type); FILAMINOPATHY, AUTOSOMAL DOMINANT. Identifiers: Orphanet 171445, MedGen C1836050, MONDO:0012289, OMIM 609524.

Allele frequency attached by ClinVar (database versions not stated): gnomAD 0.00001; gnomAD exomes 0.00001 and 0.00002; TOPMed 0.00002.

Submissions (3):

Labcorp Genetics (formerly Invitae), Labcorp
Classification: Uncertain significance for Distal myopathy with posterior leg and anterior hand involvement; Myofibrillar myopathy 5; Hypertrophic cardiomyopathy 26. Last evaluated: 2025-04-23. Review status: criteria provided, single submitter. Criteria: Invitae Variant Classification Sherloc (09022015). Collection method: clinical testing. Allele origin: germline.
Comment: This sequence change replaces aspartic acid, which is acidic and polar, with glycine, which is neutral and non-polar, at codon 2551 of the FLNC protein (p.Asp2551Gly). This variant is present in population databases (no rsID available, gnomAD 0.002%). This missense change has been observed in individual(s) with clinical features of FLNC-related conditions (PMID: 32112656). ClinVar contains an entry for this variant (Variation ID: 1005670). Invitae Evidence Modeling of protein sequence and biophysical properties (such as structural, functional, and spatial information, amino acid conservation, physicochemical variation, residue mobility, and thermodynamic stability) indicates that this missense variant is not expected to disrupt FLNC protein function with a negative predictive value of 95%. In summary, the available evidence is currently insufficient to determine the role of this variant in disease. Therefore, it has been classified as a Variant of Uncertain Significance.

Diagnostic Laboratory, Department of Genetics, University Medical Center Groningen
Classification: Uncertain significance. Review status: no assertion criteria provided. Collection method: clinical testing. Allele origin: germline. Affected: yes. Study: VKGL Data-share Consensus. Not counted in ClinVar's aggregate classification.

Joint Genome Diagnostic Labs from Nijmegen and Maastricht, Radboudumc and MUMC+
Classification: Uncertain significance. Review status: no assertion criteria provided. Collection method: clinical testing. Allele origin: germline. Affected: yes. Study: VKGL Data-share Consensus. Not counted in ClinVar's aggregate classification.

Literature cited by the submitters: PubMed 32112656 (cited by Labcorp Genetics (formerly Invitae), Labcorp).

NM_001458.5(FLNC):c.7652A>G (p.Asp2551Gly)

Genes: FLNC-AS1 (FLNC antisense RNA 1; minus strand), FLNC (filamin C; plus strand). Cytogenetic location: 7q32.1.
Variant type: single nucleotide variant.
Coding change: c.7652A>G on transcript NM_001458.5 (MANE Select); coding-DNA position 7652, A replaced by G.
Protein change: p.Asp2551Gly; replaces aspartic acid 2551 with glycine.
Molecular consequence: missense variant.
Genome position (GRCh38, 1-based): chr7:128,857,208, A>G. VCF-style: chr7-128857208-A-G. GRCh37 (hg19) VCF-style: chr7-128497262-A-G.
Other names: c.7553A>G, p.Asp2518Gly (NM_001127487.2); short protein forms D2518G, D2551G.
Identifiers: ClinVar variation 1005670 (VCV001005670.12), dbSNP rs1040102987, ClinGen allele CA166195450.